The following is an entry in ClinVar:

ClinVar aggregate classification (germline): Likely benign (1 of 4 stars; one submission).

Conditions:
PLXNA2-related disorder. Also called: PLXNA2-related condition.

gnomAD v4.1: 1 of 1,613,598 alleles (0.000062%); highest among the groups gnomAD compares: Non-Finnish European, 0.000085%; no homozygotes.

Submission:

PreventionGenetics, part of Exact Sciences
Classification: Likely benign for PLXNA2-related condition. Last evaluated: 2025-03-08. Review status: criteria provided, single submitter. Criteria: ACMG Guidelines, 2015. Collection method: clinical testing. Allele origin: germline.
Comment: This variant is classified as likely benign based on ACMG/AMP sequence variant interpretation guidelines (Richards et al. 2015 PMID: 25741868, with internal and published modifications).

NM_025179.4(PLXNA2):c.1743A>C (p.Val581=)

Gene: PLXNA2 (plexin A2; minus strand). Cytogenetic location: 1q32.2.
Variant type: single nucleotide variant.
Coding change: c.1743A>C on transcript NM_025179.4 (MANE Select); coding-DNA position 1743, A replaced by C.
Protein change: p.Val581=; no amino-acid change (valine 581 retained).
Molecular consequence: synonymous variant.
Genome position (GRCh38, 1-based): chr1:208,096,872, T>G on the plus strand (A>C on the coding strand, the complement: PLXNA2 is on the minus strand). VCF-style: chr1-208096872-T-G. GRCh37 (hg19) VCF-style: chr1-208270217-T-G.
Identifiers: ClinVar variation 4997568 (VCV004997568.1).